The following is an entry in ClinVar:

NM_000051.4(ATM):c.3844C>A (p.Leu1282Ile)

Gene: ATM (ATM serine/threonine kinase; plus strand). Cytogenetic location: 11q22.3.
Variant type: single nucleotide variant.
Coding change: c.3844C>A on transcript NM_000051.4 (MANE Select); coding-DNA position 3844, C replaced by A.
Protein change: p.Leu1282Ile; replaces leucine 1282 with isoleucine.
Molecular consequence: missense variant.
Genome position (GRCh38, 1-based): chr11:108,284,324, C>A. VCF-style: chr11-108284324-C-A. GRCh37 (hg19) VCF-style: chr11-108155051-C-A.
Other names: c.3844C>A, p.Leu1282Ile (NM_001351834.2); short protein forms L1282I.
Identifiers: ClinVar variation 233679 (VCV000233679.17), dbSNP rs876660568, ClinGen allele CA10579123.
Genomic context (GRCh38, chr11:108,284,324, plus strand): 5'-AGAAGTCATTTTGATGAGGTGAAGTCCATTGCTAATCAGATTCAAGAGGACTGGAAAAGT[C>A]TTCTAACAGACTGCTTTCCAAAGATTCTTGTAAATATTCTTCCTTATTTTGCCTATGAGG-3'
Protein context (NP_000042.3, residues 1272-1292): ANQIQEDWKS[Leu1282Ile]LTDCFPKILV

ClinVar aggregate classification (germline): Uncertain significance. Review status: criteria provided, multiple submitters, no conflicts (2 of 4 stars). 3 submissions from 3 submitters: Uncertain significance (3). Last evaluated 2026-02-02.

Conditions:
Hereditary cancer-predisposing syndrome. Also called: Tumor predisposition; Hereditary Cancer Syndrome; Hereditary neoplastic syndrome; Neoplastic Syndromes, Hereditary. Identifiers: Orphanet 140162, MedGen C0027672, MeSH D009386, MONDO:0015356.
Familial cancer of breast. Also called: hereditary breast carcinoma; BREAST CANCER, FAMILIAL; Hereditary breast cancer. Identifiers: Orphanet 227535, MedGen C0346153, MONDO:0016419, OMIM 114480. Disease mechanism: loss of function.
Ataxia-telangiectasia syndrome (AT). Also called: Ataxia telangiectasia (A-T); LOUIS-BAR SYNDROME; Cerebello-oculocutaneous telangiectasia; Immunodeficiency with ataxia telangiectasia; ATAXIA-TELANGIECTASIA, COMPLEMENTATION GROUP A; ATAXIA-TELANGIECTASIA, FRESNO VARIANT. Identifiers: Orphanet 100, MedGen C0004135, MONDO:0008840, OMIM 208900.

gnomAD v4.1: 14 of 1,613,966 alleles (0.00087%); highest among the groups gnomAD compares: Non-Finnish European, 0.0012%; no homozygotes.

Submissions (3):

Labcorp Genetics (formerly Invitae), Labcorp
Classification: Uncertain significance for Ataxia-telangiectasia syndrome. Last evaluated: 2026-02-02. Review status: criteria provided, single submitter. Criteria: Invitae Variant Classification Sherloc (09022015). Collection method: clinical testing. Allele origin: germline.
Comment: This sequence change replaces leucine, which is neutral and non-polar, with isoleucine, which is neutral and non-polar, at codon 1282 of the ATM protein (p.Leu1282Ile). This variant is not present in population databases (gnomAD no frequency). This missense change has been observed in individual(s) with prostate cancer (PMID: 33436325). ClinVar contains an entry for this variant (Variation ID: 233679). Invitae Evidence Modeling of protein sequence and biophysical properties (such as structural, functional, and spatial information, amino acid conservation, physicochemical variation, residue mobility, and thermodynamic stability) indicates that this missense variant is not expected to disrupt ATM protein function with a negative predictive value of 95%. In summary, the available evidence is currently insufficient to determine the role of this variant in disease. Therefore, it has been classified as a Variant of Uncertain Significance.

Ambry Genetics
Classification: Uncertain significance for Hereditary cancer-predisposing syndrome. Last evaluated: 2024-03-21. Review status: criteria provided, single submitter. Criteria: Ambry Variant Classification Scheme 2023. Collection method: clinical testing. Allele origin: germline.
Comment: The p.L1282I variant (also known as c.3844C>A), located in coding exon 25 of the ATM gene, results from a C to A substitution at nucleotide position 3844. The leucine at codon 1282 is replaced by isoleucine, an amino acid with highly similar properties. This alteration has been reported in at least one subject in a study of 13087 breast cancer cases and 5488 control individuals in the UK (Decker B et al. J Med Genet, 2017 11;54:732-741). This variant was also reported in 1/5560 prostate cancer cases and in 0/3353 controls of European ancestry (Karlsson Q et al. Eur Urol Oncol, 2021 Aug;4:570-579). This amino acid position is well conserved in available vertebrate species. In addition, the in silico prediction for this alteration is inconclusive. Based on the available evidence, the clinical significance of this alteration remains unclear.

Baylor Genetics
Classification: Uncertain significance for Familial cancer of breast. Last evaluated: 2023-07-13. Review status: criteria provided, single submitter. Criteria: ACMG Guidelines, 2015. Collection method: clinical testing. Allele origin: unknown.

Literature cited by the submitters: PubMed 33436325 (cited by Labcorp Genetics (formerly Invitae), Labcorp and Ambry Genetics); PubMed 28779002 (cited by Ambry Genetics).